The following is an entry in ClinVar:

ClinVar aggregate classification (germline): Uncertain significance (1 of 4 stars; one submission).

Conditions:
Amyotrophic lateral sclerosis type 1 (ALS1). Also called: AMYOTROPHIC LATERAL SCLEROSIS 1, FAMILIAL. Identifiers: Orphanet 803, MedGen C1862939, MONDO:0007103, OMIM 105400.
Neuronopathy, distal hereditary motor, type 7B. Also called: NEURONOPATHY, DISTAL HEREDITARY MOTOR, AUTOSOMAL DOMINANT 14; NEURONOPATHY, DISTAL HEREDITARY MOTOR, HARDING TYPE VIIB; NEUROPATHY, DISTAL HEREDITARY MOTOR, HARDING TYPE VIIB; NEUROPATHY, DISTAL HEREDITARY MOTOR, WITH VOCAL CORD PARALYSIS, HARDING TYPE VIIB; Distal Hereditary Motor Neuronopathy Type 7B (dHMN7B); HMN VIIB. Identifiers: Orphanet 139589, MedGen C1843315, MONDO:0011879, OMIM 607641.
Perry syndrome. Also called: PARKINSONISM WITH ALVEOLAR HYPOVENTILATION AND MENTAL DEPRESSION. Identifiers: Orphanet 178509, MedGen C1868594, MONDO:0008201, OMIM 168605.

Allele frequency attached by ClinVar (database versions not stated): gnomAD 0.00003; TOPMed 0.00002.
gnomAD v4.1: 59 of 1,614,040 alleles (0.0037%); highest among the groups gnomAD compares: Non-Finnish European, 0.0049%; no homozygotes.

Submission:

Labcorp Genetics (formerly Invitae), Labcorp
Classification: Uncertain significance for Amyotrophic lateral sclerosis type 1; Neuronopathy, distal hereditary motor, type 7B; Perry syndrome. Last evaluated: 2024-12-04. Review status: criteria provided, single submitter. Criteria: Invitae Variant Classification Sherloc (09022015). Collection method: clinical testing. Allele origin: germline.
Comment: This sequence change replaces proline, which is neutral and non-polar, with alanine, which is neutral and non-polar, at codon 1128 of the DCTN1 protein (p.Pro1128Ala). This variant is present in population databases (rs757510484, gnomAD 0.003%). This missense change has been observed in individual(s) with clinical features of early-onset dementia patient (PMID: 37330543). ClinVar contains an entry for this variant (Variation ID: 649963). Invitae Evidence Modeling of protein sequence and biophysical properties (such as structural, functional, and spatial information, amino acid conservation, physicochemical variation, residue mobility, and thermodynamic stability) indicates that this missense variant is not expected to disrupt DCTN1 protein function with a negative predictive value of 95%. In summary, the available evidence is currently insufficient to determine the role of this variant in disease. Therefore, it has been classified as a Variant of Uncertain Significance.

Literature cited by the submitters: PubMed 37330543.

NM_004082.5(DCTN1):c.3382C>G (p.Pro1128Ala)

Gene: DCTN1 (dynactin subunit 1; minus strand). Cytogenetic location: 2p13.1.
Variant type: single nucleotide variant.
Coding change: c.3382C>G on transcript NM_004082.5 (MANE Select); coding-DNA position 3382, C replaced by G.
Protein change: p.Pro1128Ala; replaces proline 1128 with alanine.
Molecular consequence: missense variant. On other transcripts: non-coding transcript variant (1).
Genome position (GRCh38, 1-based): chr2:74,363,141, G>C on the plus strand (C>G on the coding strand, the complement: DCTN1 is on the minus strand). VCF-style: chr2-74363141-G-C. GRCh37 (hg19) VCF-style: chr2-74590268-G-C.
Other names: c.3307C>G, p.Pro1103Ala (NM_001135040.3); c.2965C>G, p.Pro989Ala (NM_001135041.3); c.3256C>G, p.Pro1086Ala (NM_001190836.2); c.3361C>G, p.Pro1121Ala (NM_001190837.2); c.3331C>G, p.Pro1111Ala (NM_001378991.1); c.3313C>G, p.Pro1105Ala (NM_001378992.1); c.2980C>G, p.Pro994Ala (NM_023019.4); short protein forms P1086A, P1103A, P1121A, P1128A, P989A, P994A, P1105A, P1111A.
Identifiers: ClinVar variation 649963 (VCV000649963.7), dbSNP rs757510484, ClinGen allele CA1721495.
Genomic context (GRCh38, chr2:74,363,141, plus strand): 5'-GCGCTCCAGCTGGTAACTCACTGCCAGGGCCCTCATGGGATAGCTTTGCAACATGCAGAG[G>C]GGGCAGGGATGCCAAGGATGCCTTCATCTGGGCTCCCTGTGGATGAAAAAAGAAGGATAG-3'
Protein context (NP_004073.2, residues 1118-1138): QMKASLASLP[Pro1128Ala]LHVAKLSHEG